The following is an entry in ClinVar:

NM_005629.4(SLC6A8):c.1299_1309del (p.Pro434fs)

Gene: SLC6A8 (solute carrier family 6 member 8; plus strand). Cytogenetic location: Xq28.
Variant type: Deletion.
Coding change: c.1299_1309del on transcript NM_005629.4 (MANE Select); coding-DNA positions 1299 to 1309, 11 bases deleted (CCCGGCCTCCT).
Protein change: p.Pro434fs; shifts the reading frame from proline 434.
Molecular consequence: frameshift variant.
Genome position (GRCh38, 1-based): chrX:153,694,174-153,694,184, CCCGGCCTCCT deleted; deleting any 11 consecutive bases within chrX:153,694,168-153,694,184 gives the same sequence; the c. name uses the placement nearest the transcript's 3' end. VCF-style (leftmost placement, unchanged base first): chrX-153694167-ACCTCCTCCCGG-A. GRCh37 (hg19) VCF-style: chrX-152959622-ACCTCCTCCCGG-A.
Other names: NM_001142805.2:c.1269_1279del; c.1269_1279del, p.Pro424fs (NM_001142805.2); c.954_964del, p.Pro319fs (NM_001142806.1); short protein forms P319fs, P424fs, P434fs.
Identifiers: ClinVar variation 3066450 (VCV003066450.1), dbSNP rs2522166345, ClinGen allele CA2582121421.

ClinVar aggregate classification (germline): Pathogenic (3 of 4 stars; one submission).

Conditions:
Creatine transporter deficiency (CCDS1). Also called: Mental retardation , X-linked with seizures, short stature and midface hypoplasia; Mental retardation , X-linked, with creatine transport deficiency; X-linked creatine transporter deficiency; X-linked creatine deficiency syndrome; SLC6A8-Related Creatine Transporter Deficiency; CREATINE TRANSPORTER DEFECT. Identifiers: Orphanet 52503, MedGen C1845862, MONDO:0010305, OMIM 300352.

Submission:

ClinGen Cerebral Creatine Deficiency Syndromes Variant Curation Expert Panel, ClinGen
Classification: Pathogenic for Creatine transporter deficiency. Last evaluated: 2024-03-25. Review status: reviewed by expert panel. Criteria: ClinGen_CCDS_ACMG_Specifications_SLC6A8_v1.1. Collection method: curation. Allele origin: germline. Inheritance: X-linked inheritance.
Comment: The NM_005629.4:c.1299_1309del variant in SLC6A8 is a frameshift variant predicted to cause a premature stop codon in biologically relevant exon 9/13 leading to nonsense mediated decay in a gene in which loss of function is an established disease mechanism (p.Pro434LeufsTer27) (PVS1). The variant is absent in gnomAD v2.1.1. (PM2_Supporting). In summary, this variant meets criteria to be classified as pathogenic for creatine transporter deficiency. SLC6A8-specific criteria applied, as specified by the ClinGen CCDS VCEP (Specifications Version 1.1.0): PVS1, PM2_Supporting, PP4. (Classification approved by the ClinGen CCDS VCEP on March 25, 2024)